The following is an entry in ClinVar:

NM_058216.3(RAD51C):c.572-1G>C

Gene: RAD51C (RAD51 paralog C; plus strand). Cytogenetic location: 17q22.
Variant type: single nucleotide variant.
Coding change: c.572-1G>C on transcript NM_058216.3 (MANE Select); the canonical splice acceptor site of the intron before coding-DNA position 572, G replaced by C.
Molecular consequence: splice acceptor variant.
Genome position (GRCh38, 1-based): chr17:58,703,195, G>C. VCF-style: chr17-58703195-G-C. GRCh37 (hg19) VCF-style: chr17-56780556-G-C.
Identifiers: ClinVar variation 480497 (VCV000480497.28), dbSNP rs1413872299, ClinGen allele CA400348971.
Genomic context (GRCh38, chr17:58,703,195, plus strand): 5'-TTCTACAATTGCCAATACATCCAAACAGGTAAAACTAATTAAGAGTGTTTTGTTGTTTCA[G>C]AACACCGAAAAGCTTTGGAGGATTTCACTCTTGATAATATTCTTTCTCATATTTATTATT-3'

ClinVar aggregate classification (germline): Pathogenic/Likely pathogenic. Review status: criteria provided, multiple submitters, no conflicts (2 of 4 stars). 9 submissions from 8 submitters: Pathogenic (3); Likely pathogenic (6). Last evaluated 2025-10-01.

Conditions:
Familial ovarian cancer. Identifiers: MedGen C5679802, MONDO:0016248.
Hereditary cancer-predisposing syndrome. Also called: Hereditary neoplastic syndrome; Neoplastic Syndromes, Hereditary; Tumor predisposition; Hereditary Cancer Syndrome. Identifiers: Orphanet 140162, MedGen C0027672, MeSH D009386, MONDO:0015356.
Fanconi anemia complementation group O. Also called: RAD51C-Related Fanconi Anemia. Identifiers: Orphanet 84, MedGen C3150653, MONDO:0013248, OMIM 613390.
Breast-ovarian cancer, familial, susceptibility to, 3. Also called: RAD51C-Related Breast/Ovarian Cancer. Identifiers: Orphanet 145, MedGen C3150659, MONDO:0013253, OMIM 613399.

gnomAD v4.1: 1 of 1,611,494 alleles (0.000062%); highest among the groups gnomAD compares: African/African-American, 0.0013%; no homozygotes.

Submissions (9):

Labcorp Genetics (formerly Invitae), Labcorp
Classification: Likely pathogenic for Fanconi anemia complementation group O. Last evaluated: 2025-10-01. Review status: criteria provided, single submitter. Criteria: Invitae Variant Classification Sherloc (09022015). Collection method: clinical testing. Allele origin: germline.
Comment: This sequence change affects an acceptor splice site in intron 3 of the RAD51C gene. It is expected to disrupt RNA splicing. Variants that disrupt the donor or acceptor splice site typically lead to a loss of protein function (PMID: 16199547), and loss-of-function variants in RAD51C are known to be pathogenic (PMID: 20400964, 21990120, 24800917, 29278735). This variant is not present in population databases (gnomAD no frequency). Disruption of this splice site has been observed in individual(s) with breast or ovarian cancer (PMID: 26261251, 28888541, 32107557). ClinVar contains an entry for this variant (Variation ID: 480497). Studies have shown that disruption of this splice site is associated with inconclusive levels of altered splicing (internal data). In summary, the currently available evidence indicates that the variant is pathogenic, but additional data are needed to prove that conclusively. Therefore, this variant has been classified as Likely Pathogenic.

Ambry Genetics
Classification: Likely pathogenic for Hereditary cancer-predisposing syndrome. Last evaluated: 2025-04-29. Review status: criteria provided, single submitter. Criteria: Ambry Variant Classification Scheme 2023. Collection method: clinical testing. Allele origin: germline.
Comment: The c.572-1G>C intronic variant results from a G to C substitution one nucleotide before coding exon 4 of the RAD51C gene. This variant is considered to be rare based on population cohorts in the Genome Aggregation Database (gnomAD). This nucleotide position is highly conserved in available vertebrate species. In silico splice site analysis predicts that this alteration will weaken the native splice acceptor site; however, direct evidence is insufficient at this time (Ambry internal data). Alterations that disrupt the canonical splice site are expected to cause aberrant splicing, resulting in an abnormal protein or a transcript that is subject to nonsense-mediated mRNA decay. As such, this alteration is classified as likely pathogenic.

Molecular Pathology, Peter Maccallum Cancer Centre
Classification: Likely pathogenic for Familial ovarian cancer. Last evaluated: 2025-04-07. Review status: criteria provided, single submitter. Criteria: ACMG Guidelines, 2015. Collection method: clinical testing. Allele origin: germline. Inheritance: Autosomal dominant inheritance.

Myriad Genetics, Inc.
Classification: Likely pathogenic for Breast-ovarian cancer, familial, susceptibility to, 3. Last evaluated: 2024-01-03. Review status: criteria provided, single submitter. Criteria: Myriad Autosomal Dominant, Autosomal Recessive and X-Linked Classification Criteria (2023). Collection method: clinical testing. Allele origin: unknown.
Comment: This variant is considered likely pathogenic. This variant occurs within a consensus splice junction and is predicted to result in abnormal mRNA splicing of either an out-of-frame exon or an in-frame exon necessary for protein stability and/or normal function.

Color Diagnostics, LLC DBA Color Health
Classification: Likely pathogenic for Hereditary cancer-predisposing syndrome. Last evaluated: 2023-03-15. Review status: criteria provided, single submitter. Criteria: ACMG Guidelines, 2015. Collection method: clinical testing. Allele origin: germline.
Comment: This variant causes a G>C nucleotide substitution at the -1 position of intron 3 of the RAD51C gene. Splice site prediction tools predict that this variant may have a significant impact on RNA splicing. A minigene splicing assay has shown that this variant resulted in the out-of-frame skipping of exon 4 (PMID: 35740625). This variant has been reported in an individual affected with ovarian cancer (PMID: 26261251). Different substitutions in canonical splice site positions at this acceptor site, c.572-1G>T and c.572-2A>G, have been reported in one individual each affected with breast cancer or ovarian cancer (PMID: 27908594, 30949688). This variant has not been identified in the general population by the Genome Aggregation Database (gnomAD). Loss of RAD51C function is a known mechanism of disease. Based on the available evidence, this variant is classified as Likely Pathogenic.

Baylor Genetics
Classification: Likely pathogenic for Breast-ovarian cancer, familial, susceptibility to, 3. Last evaluated: 2023-02-22. Review status: criteria provided, single submitter. Criteria: ACMG Guidelines, 2015. Collection method: clinical testing. Allele origin: unknown.

Centre for Mendelian Genomics, University Medical Centre Ljubljana
Classification: Pathogenic for Breast-ovarian cancer, familial, susceptibility to, 3. Last evaluated: 2022-12-09. Review status: criteria provided, single submitter. Criteria: ACMG Guidelines, 2015. Collection method: research. Allele origin: germline. Affected: no.
Comment: PVS1_STR, PS4_SUP, PM2_SUP

Centre for Mendelian Genomics, University Medical Centre Ljubljana
Classification: Pathogenic for Fanconi anemia complementation group O. Last evaluated: 2019-02-20. Review status: criteria provided, single submitter. Criteria: ACMG Guidelines, 2015. Collection method: clinical testing. Allele origin: unknown. Affected: yes.
Comment: This variant was classified as: Pathogenic. The following ACMG criteria were applied in classifying this variant: PVS1,PM2,PP5.

Department of Molecular Diagnostics, Institute of Oncology Ljubljana
Classification: Pathogenic for Breast-ovarian cancer, familial, susceptibility to, 3. Last evaluated: 2018-10-24. Review status: criteria provided, single submitter. Criteria: ACMG Guidelines, 2015. Collection method: clinical testing. Allele origin: germline. Affected: yes.

Literature cited by the submitters: PubMed 16199547 (cited by Labcorp Genetics (formerly Invitae), Labcorp); PubMed 20400964 (cited by Labcorp Genetics (formerly Invitae), Labcorp); PubMed 21990120 (cited by Labcorp Genetics (formerly Invitae), Labcorp); PubMed 24800917 (cited by Labcorp Genetics (formerly Invitae), Labcorp); PubMed 29278735 (cited by Labcorp Genetics (formerly Invitae), Labcorp); PubMed 26261251 (cited by Labcorp Genetics (formerly Invitae), Labcorp and Color Diagnostics, LLC DBA Color Health); PubMed 28888541 (cited by Labcorp Genetics (formerly Invitae), Labcorp); PubMed 32107557 (cited by Labcorp Genetics (formerly Invitae), Labcorp); PubMed 27908594 (cited by Color Diagnostics, LLC DBA Color Health); PubMed 30949688 (cited by Color Diagnostics, LLC DBA Color Health); PubMed 35740625 (cited by Color Diagnostics, LLC DBA Color Health).